The following is an entry in ClinVar:

NM_002444.3(MSN):c.116T>A (p.Leu39Ter)

Gene: MSN (moesin; plus strand). Cytogenetic location: Xq12.
Variant type: single nucleotide variant.
Coding change: c.116T>A on transcript NM_002444.3 (MANE Select); coding-DNA position 116, T replaced by A.
Protein change: p.Leu39Ter; replaces leucine 39 with a stop codon.
Molecular consequence: nonsense.
Genome position (GRCh38, 1-based): chrX:65,727,833, T>A. VCF-style: chrX-65727833-T-A. GRCh37 (hg19) VCF-style: chrX-64947695-T-A.
Other names: short protein forms L39*.
Identifiers: ClinVar variation 2744083 (VCV002744083.3), dbSNP rs1034323442, ClinGen allele CA413415008.

ClinVar aggregate classification (germline): Uncertain significance (1 of 4 stars; one submission).

Submission:

Labcorp Genetics (formerly Invitae), Labcorp
Classification: Uncertain significance. Last evaluated: 2023-09-08. Review status: criteria provided, single submitter. Criteria: Invitae Variant Classification Sherloc (09022015). Collection method: clinical testing. Allele origin: germline.
Comment: This sequence change creates a premature translational stop signal (p.Leu39*) in the MSN gene. It is expected to result in an absent or disrupted protein product. However, the current clinical and genetic evidence is not sufficient to establish whether loss-of-function variants in MSN cause disease. In summary, the available evidence is currently insufficient to determine the role of this variant in disease. Therefore, it has been classified as a Variant of Uncertain Significance. This variant has not been reported in the literature in individuals affected with MSN-related conditions. This variant is not present in population databases (gnomAD no frequency).